The following is an entry in ClinVar:

ClinVar aggregate classification (germline): Uncertain significance (1 of 4 stars; one submission).

gnomAD v4.1: 4 of 1,614,086 alleles (0.00025%); highest among the groups gnomAD compares: South Asian, 0.0044%; no homozygotes.

Submission:

Labcorp Genetics (formerly Invitae), Labcorp
Classification: Uncertain significance. Last evaluated: 2025-10-01. Review status: criteria provided, single submitter. Criteria: Invitae Variant Classification Sherloc (09022015). Collection method: clinical testing. Allele origin: germline.
Comment: This sequence change replaces glutamine, which is neutral and polar, with histidine, which is basic and polar, at codon 610 of the PPP1R15B protein (p.Gln610His). This variant is not present in population databases (gnomAD no frequency). This variant has not been reported in the literature in individuals affected with PPP1R15B-related conditions. An algorithm developed to predict the effect of missense changes on protein structure and function outputs the following: PolyPhen-2: "Benign". The histidine amino acid residue is found in multiple mammalian species, which suggests that this missense change does not adversely affect protein function. In summary, the available evidence is currently insufficient to determine the role of this variant in disease. Therefore, it has been classified as a Variant of Uncertain Significance.

NM_032833.5(PPP1R15B):c.1830G>C (p.Gln610His)

Gene: PPP1R15B (protein phosphatase 1 regulatory subunit 15B; minus strand). Cytogenetic location: 1q32.1.
Variant type: single nucleotide variant.
Coding change: c.1830G>C on transcript NM_032833.5 (MANE Select); coding-DNA position 1830, G replaced by C.
Protein change: p.Gln610His; replaces glutamine 610 with histidine.
Molecular consequence: missense variant.
Genome position (GRCh38, 1-based): chr1:204,409,582, C>G on the plus strand (G>C on the coding strand, the complement: PPP1R15B is on the minus strand). VCF-style: chr1-204409582-C-G. GRCh37 (hg19) VCF-style: chr1-204378710-C-G.
Other names: short protein forms Q610H.
Identifiers: ClinVar variation 4768067 (VCV004768067.1).